The following continues an entry in ClinVar:

NM_206933.4(USH2A):c.2299del (p.Glu767fs)

Gene: USH2A. ClinVar aggregate classification (germline): Pathogenic. Pathogenic (49).

Submissions 51 to 65 of 65:

Department of Clinical Genetics, Copenhagen University Hospital, Rigshospitalet
Classification: Pathogenic for Retinitis pigmentosa. Last evaluated: 2018-04-01. Review status: no assertion criteria provided. Collection method: research. Allele origin: unknown. Affected: yes. Study: VeluxRD. Not counted in ClinVar's aggregate classification.

Department of Clinical Genetics, Copenhagen University Hospital, Rigshospitalet
Classification: Pathogenic for Macular dystrophy. Last evaluated: 2018-04-01. Review status: no assertion criteria provided. Collection method: research. Allele origin: unknown. Affected: yes. Study: VeluxRD. Not counted in ClinVar's aggregate classification.

Department of Clinical Genetics, Copenhagen University Hospital, Rigshospitalet
Classification: Pathogenic for Cone-rod dystrophy. Last evaluated: 2018-04-01. Review status: no assertion criteria provided. Collection method: research. Allele origin: unknown. Affected: yes. Study: VeluxRD. Not counted in ClinVar's aggregate classification.

Department of Clinical Genetics, Copenhagen University Hospital, Rigshospitalet
Classification: Pathogenic for Congenital stationary night blindness. Last evaluated: 2018-04-01. Review status: no assertion criteria provided. Collection method: research. Allele origin: unknown. Affected: yes. Study: VeluxRD. Not counted in ClinVar's aggregate classification.

Joint Genome Diagnostic Labs from Nijmegen and Maastricht, Radboudumc and MUMC+
Classification: Pathogenic for Retinitis pigmentosa 39. Last evaluated: 2016-09-01. Review status: no assertion criteria provided. Collection method: clinical testing. Allele origin: unknown. Affected: yes. Observed: 1 variant allele. Not counted in ClinVar's aggregate classification.

Counsyl
Classification: Pathogenic for Retinitis pigmentosa 39. Last evaluated: 2016-08-18. Review status: no assertion criteria provided. Collection method: clinical testing. Allele origin: unknown. Not counted in ClinVar's aggregate classification.

Centre for Genomic Medicine, Manchester, Central Manchester University Hospitals
Classification: Pathogenic for Retinal dystrophy. Last evaluated: 2015-01-30. Review status: no assertion criteria provided. Collection method: clinical testing. Allele origin: germline. Affected: yes. Not counted in ClinVar's aggregate classification.

NIHR Bioresource Rare Diseases, University of Cambridge
Classification: Pathogenic for Retinitis pigmentosa. Last evaluated: 2015-01-01. Review status: no assertion criteria provided. Collection method: research. Allele origin: unknown. Affected: yes. Observed: 5 variant alleles. Not counted in ClinVar's aggregate classification.

NIHR Bioresource Rare Diseases, University of Cambridge
Classification: Pathogenic for Usher syndrome. Last evaluated: 2015-01-01. Review status: no assertion criteria provided. Collection method: research. Allele origin: unknown. Affected: yes. Observed: 7 variant alleles. Not counted in ClinVar's aggregate classification.

OMIM
Classification: Pathogenic for USHER SYNDROME, TYPE IIA. Last evaluated: 2009-12-01. Review status: no assertion criteria provided. Collection method: literature only. Allele origin: germline. Not counted in ClinVar's aggregate classification.

Clinical Genetics DNA and cytogenetics Diagnostics Lab, Erasmus MC, Erasmus Medical Center
Classification: Pathogenic. Review status: no assertion criteria provided. Collection method: clinical testing. Allele origin: germline. Affected: yes. Study: VKGL Data-share Consensus. Not counted in ClinVar's aggregate classification.

Clinical Genetics, Academic Medical Center
Classification: Pathogenic. Review status: no assertion criteria provided. Collection method: clinical testing. Allele origin: germline. Affected: yes. Study: VKGL Data-share Consensus. Not counted in ClinVar's aggregate classification.

Diagnostic Laboratory, Department of Genetics, University Medical Center Groningen
Classification: Pathogenic. Review status: no assertion criteria provided. Collection method: clinical testing. Allele origin: germline. Affected: yes. Study: VKGL Data-share Consensus. Not counted in ClinVar's aggregate classification.

GeneReviews
No classification provided. Condition: Retinitis pigmentosa. Review status: no classification provided. Collection method: literature only. Allele origin: unknown. Not counted in ClinVar's aggregate classification.

Joint Genome Diagnostic Labs from Nijmegen and Maastricht, Radboudumc and MUMC+
Classification: Pathogenic. Review status: no assertion criteria provided. Collection method: clinical testing. Allele origin: germline. Affected: yes. Study: VKGL Data-share Consensus. Not counted in ClinVar's aggregate classification.

Literature cited by the submitters: PubMed 15025721 (cited by 4 submitters); PubMed 17405132 (cited by 3 submitters); PubMed 10729113 (cited by 4 submitters); PubMed 10909849 (cited by 5 submitters); PubMed 20507924 (cited by Labcorp Genetics (formerly Invitae), Labcorp); PubMed 25649381 (cited by 6 submitters); PubMed 9624053 (cited by 8 submitters); PubMed 11402400 (cited by 4 submitters); PubMed 14970843 (cited by 4 submitters); PubMed 15325563 (cited by Labcorp Genetics (formerly Invitae), Labcorp); PubMed 25097241 (cited by 4 submitters); PubMed 25404053 (cited by 5 submitters); PubMed 25575603 (cited by Natera, Inc.); PubMed 26633545 (cited by Baylor Genetics); PubMed 36909829 (cited by Ophthalmic Genetics Group, Institute of Molecular and Clinical Ophthalmology Basel); PubMed 29953849 (cited by 5 submitters); PubMed 36011334 (cited by Illumina Laboratory Services, Illumina and Institute of Human Genetics, Univ. Regensburg, Univ. Regensburg); PubMed 20301515 (cited by 7 submitters); PubMed 26629787 (cited by Illumina Laboratory Services, Illumina); PubMed 24607488 (cited by 9 submitters); PubMed 20145675 (cited by 3 submitters); PubMed 22135276 (cited by Institute of Human Genetics, Univ. Regensburg, Univ. Regensburg and Genetics and Molecular Pathology, SA Pathology); PubMed 22581970 (cited by Institute of Human Genetics, Univ. Regensburg, Univ. Regensburg); PubMed 24160897 (cited by Institute of Human Genetics, Univ. Regensburg, Univ. Regensburg and Eurofins Ntd Llc (ga)); PubMed 23924366 (cited by Institute of Human Genetics, Univ. Regensburg, Univ. Regensburg and Dasa); PubMed 27460420 (cited by Institute of Human Genetics, Univ. Regensburg, Univ. Regensburg); PubMed 26969326 (cited by Institute of Human Genetics, Univ. Regensburg, Univ. Regensburg); PubMed 27344577 (cited by Institute of Human Genetics, Univ. Regensburg, Univ. Regensburg); PubMed 28157192 (cited by Institute of Human Genetics, Univ. Regensburg, Univ. Regensburg); PubMed 28761320 (cited by Institute of Human Genetics, Univ. Regensburg, Univ. Regensburg); PubMed 28838317 (cited by Institute of Human Genetics, Univ. Regensburg, Univ. Regensburg); PubMed 30337596 (cited by Institute of Human Genetics, Univ. Regensburg, Univ. Regensburg); PubMed 29847639 (cited by Institute of Human Genetics, Univ. Regensburg, Univ. Regensburg); PubMed 29151245 (cited by Institute of Human Genetics, Univ. Regensburg, Univ. Regensburg); PubMed 31589614 (cited by Institute of Human Genetics, Univ. Regensburg, Univ. Regensburg); PubMed 30755392 (cited by Institute of Human Genetics, Univ. Regensburg, Univ. Regensburg); PubMed 31231422 (cited by Institute of Human Genetics, Univ. Regensburg, Univ. Regensburg); PubMed 31827275 (cited by Institute of Human Genetics, Univ. Regensburg, Univ. Regensburg); PubMed 31266775 (cited by Institute of Human Genetics, Univ. Regensburg, Univ. Regensburg); PubMed 31964843 (cited by Institute of Human Genetics, Univ. Regensburg, Univ. Regensburg); PubMed 31429209 (cited by Institute of Human Genetics, Univ. Regensburg, Univ. Regensburg); PubMed 31980526 (cited by Institute of Human Genetics, Univ. Regensburg, Univ. Regensburg); PubMed 33302505 (cited by Institute of Human Genetics, Univ. Regensburg, Univ. Regensburg); PubMed 32176120 (cited by Institute of Human Genetics, Univ. Regensburg, Univ. Regensburg); PubMed 32036094 (cited by Institute of Human Genetics, Univ. Regensburg, Univ. Regensburg); PubMed 32853555 (cited by Institute of Human Genetics, Univ. Regensburg, Univ. Regensburg); PubMed 32581362 (cited by Institute of Human Genetics, Univ. Regensburg, Univ. Regensburg); PubMed 33089500 (cited by Institute of Human Genetics, Univ. Regensburg, Univ. Regensburg); PubMed 32664777 (cited by Institute of Human Genetics, Univ. Regensburg, Univ. Regensburg); PubMed 32531858 (cited by Institute of Human Genetics, Univ. Regensburg, Univ. Regensburg); PubMed 31963381 (cited by Institute of Human Genetics, Univ. Regensburg, Univ. Regensburg); PubMed 31816670 (cited by Institute of Human Genetics, Univ. Regensburg, Univ. Regensburg); PubMed 32037395 (cited by Institute of Human Genetics, Univ. Regensburg, Univ. Regensburg); PubMed 32141364 (cited by Institute of Human Genetics, Univ. Regensburg, Univ. Regensburg); PubMed 34148116 (cited by Institute of Human Genetics, Univ. Regensburg, Univ. Regensburg); PubMed 33576794 (cited by Institute of Human Genetics, Univ. Regensburg, Univ. Regensburg); PubMed 34426522 (cited by Institute of Human Genetics, Univ. Regensburg, Univ. Regensburg); PubMed 34948090 (cited by Institute of Human Genetics, Univ. Regensburg, Univ. Regensburg); PubMed 33411470 (cited by Institute of Human Genetics, Univ. Regensburg, Univ. Regensburg); PubMed 33749171 (cited by Institute of Human Genetics, Univ. Regensburg, Univ. Regensburg); PubMed 34758253 (cited by Institute of Human Genetics, Univ. Regensburg, Univ. Regensburg); PubMed 34781295 (cited by Institute of Human Genetics, Univ. Regensburg, Univ. Regensburg); PubMed 35266249 (cited by Institute of Human Genetics, Univ. Regensburg, Univ. Regensburg); PubMed 36460718 (cited by Institute of Human Genetics, Univ. Regensburg, Univ. Regensburg); PubMed 35836572 (cited by Institute of Human Genetics, Univ. Regensburg, Univ. Regensburg); PubMed 35345973 (cited by Institute of Human Genetics, Univ. Regensburg, Univ. Regensburg); PubMed 35456422 (cited by Institute of Human Genetics, Univ. Regensburg, Univ. Regensburg); PubMed 36672815 (cited by Institute of Human Genetics, Univ. Regensburg, Univ. Regensburg); PubMed 36819107 (cited by Institute of Human Genetics, Univ. Regensburg, Univ. Regensburg); PubMed 36785559 (cited by Institute of Human Genetics, Univ. Regensburg, Univ. Regensburg); PubMed 31836858 (cited by Dasa); PubMed 30718709 (cited by Dasa and Department of Clinical Genetics, Copenhagen University Hospital, Rigshospitalet); PubMed 12525556 (cited by 3 submitters); PubMed 28041643 (cited by 3 submitters); PubMed 24944099 (cited by Ocular Genomics Institute, Massachusetts Eye and Ear and Broad Center for Mendelian Genomics, Broad Institute of MIT and Harvard); PubMed 34906470 (cited by Broad Center for Mendelian Genomics, Broad Institute of MIT and Harvard); PubMed 12112664 (cited by Laboratory for Molecular Medicine, Mass General Brigham Personalized Medicine); PubMed 18641288 (cited by UNC Molecular Genetics  Laboratory, University of North Carolina at Chapel Hill); PubMed 15326663 (cited by UNC Molecular Genetics  Laboratory, University of North Carolina at Chapel Hill); PubMed 26872967 (cited by Centre for Genomic Medicine, Manchester, Central Manchester University Hospitals); PubMed 10090909 (cited by OMIM); PubMed 19881469 (cited by OMIM); NCBI Bookshelf NBK1341 (cited by GeneReviews).